The following is an entry in ClinVar:

NM_001184900.3(CARD8):c.861C>G (p.Phe287Leu)

Gene: CARD8 (caspase recruitment domain family member 8; minus strand). Cytogenetic location: 19q13.33.
Variant type: single nucleotide variant.
Coding change: c.861C>G on transcript NM_001184900.3 (MANE Select); coding-DNA position 861, C replaced by G.
Protein change: p.Phe287Leu; replaces phenylalanine 287 with leucine.
Molecular consequence: missense variant. On other transcripts: non-coding transcript variant (4).
Genome position (GRCh38, 1-based): chr19:48,230,612, G>C on the plus strand (C>G on the coding strand, the complement: CARD8 is on the minus strand). VCF-style: chr19-48230612-G-C. GRCh37 (hg19) VCF-style: chr19-48733869-G-C.
Other names: c.711C>G, p.Phe237Leu (NM_001184901.1, NM_001351783.2, NM_001351788.2 and 2 more transcripts); c.861C>G, p.Phe287Leu (NM_001184902.2, NM_001184903.1, NM_001351782.2); c.546C>G, p.Phe182Leu (NM_001351784.2, NM_001351787.2, NM_001351791.2 and 1 more transcripts); c.525C>G, p.Phe175Leu (NM_001351786.2); c.618C>G, p.Phe206Leu (NM_001351790.2); c.543C>G, p.Phe181Leu (NM_001365950.1); short protein forms F182L, F181L, F206L, F237L, F287L, F175L.
Identifiers: ClinVar variation 4770035 (VCV004770035.1).

ClinVar aggregate classification (germline): Uncertain significance (1 of 4 stars; one submission).

Submission:

Labcorp Genetics (formerly Invitae), Labcorp
Classification: Uncertain significance. Last evaluated: 2026-01-12. Review status: criteria provided, single submitter. Criteria: Invitae Variant Classification Sherloc (09022015). Collection method: clinical testing. Allele origin: germline.
Comment: This sequence change replaces phenylalanine, which is neutral and non-polar, with leucine, which is neutral and non-polar, at codon 237 of the CARD8 protein (p.Phe237Leu). This variant is not present in population databases (gnomAD no frequency). This variant has not been reported in the literature in individuals affected with CARD8-related conditions. An algorithm developed to predict the effect of missense changes on protein structure and function (PolyPhen-2) suggests that this variant is likely to be tolerated. In summary, the available evidence is currently insufficient to determine the role of this variant in disease. Therefore, it has been classified as a Variant of Uncertain Significance.